The following is an entry in ClinVar:

NM_001041.4(SI):c.3581T>A (p.Phe1194Tyr)

Gene: SI (sucrase-isomaltase; minus strand). Cytogenetic location: 3q26.1.
Variant type: single nucleotide variant.
Coding change: c.3581T>A on transcript NM_001041.4 (MANE Select); coding-DNA position 3581, T replaced by A.
Protein change: p.Phe1194Tyr; replaces phenylalanine 1194 with tyrosine.
Molecular consequence: missense variant.
Genome position (GRCh38, 1-based): chr3:165,017,813, A>T on the plus strand (T>A on the coding strand, the complement: SI is on the minus strand). VCF-style: chr3-165017813-A-T. GRCh37 (hg19) VCF-style: chr3-164735601-A-T.
Other names: c.3581T>A (NM_001041.3); short protein forms F1194Y.
Identifiers: ClinVar variation 2168397 (VCV002168397.3), dbSNP rs147619761, ClinGen allele CA2690214.

ClinVar aggregate classification (germline): Uncertain significance. Review status: criteria provided, multiple submitters, no conflicts (2 of 4 stars). 3 submissions from 3 submitters: Uncertain significance (3). Last evaluated 2024-08-07.

Conditions:
Inborn genetic diseases. Identifiers: MedGen C0950123, MeSH D030342.

Allele frequency attached by ClinVar (database versions not stated): gnomAD exomes 0.00001; ExAC 0.00004; gnomAD 0.00011; TOPMed 0.00012; ESP Exome Variant Server 0.00023.
gnomAD v4.1: 36 of 1,613,134 alleles (0.0022%); highest among the groups gnomAD compares: African/African-American, 0.04%; no homozygotes.

Submissions (3):

Blueprint Genetics
Classification: Uncertain significance. Last evaluated: 2024-08-07. Review status: criteria provided, single submitter. Criteria: ACMG Guidelines, 2015. Collection method: clinical testing. Allele origin: germline.

Ambry Genetics
Classification: Uncertain significance for Inborn genetic diseases. Last evaluated: 2024-03-08. Review status: criteria provided, single submitter. Criteria: Ambry Variant Classification Scheme 2023. Collection method: clinical testing. Allele origin: germline.

Labcorp Genetics (formerly Invitae), Labcorp
Classification: Uncertain significance. Last evaluated: 2022-05-20. Review status: criteria provided, single submitter. Criteria: Invitae Variant Classification Sherloc (09022015). Collection method: clinical testing. Allele origin: germline.
Comment: This sequence change replaces phenylalanine, which is neutral and non-polar, with tyrosine, which is neutral and polar, at codon 1194 of the SI protein (p.Phe1194Tyr). This variant is present in population databases (rs147619761, gnomAD 0.04%). This variant has not been reported in the literature in individuals affected with SI-related conditions. Advanced modeling of protein sequence and biophysical properties (such as structural, functional, and spatial information, amino acid conservation, physicochemical variation, residue mobility, and thermodynamic stability) performed at Invitae indicates that this missense variant is expected to disrupt SI protein function. In summary, the available evidence is currently insufficient to determine the role of this variant in disease. Therefore, it has been classified as a Variant of Uncertain Significance.